The following is an entry in ClinVar:

NM_019842.4(KCNQ5):c.2202C>A (p.Asn734Lys)

Gene: KCNQ5 (potassium voltage-gated channel subfamily Q member 5; plus strand). Cytogenetic location: 6q13.
Variant type: single nucleotide variant.
Coding change: c.2202C>A on transcript NM_019842.4 (MANE Select); coding-DNA position 2202, C replaced by A.
Protein change: p.Asn734Lys; replaces asparagine 734 with lysine.
Molecular consequence: missense variant.
Genome position (GRCh38, 1-based): chr6:73,194,817, C>A. VCF-style: chr6-73194817-C-A. GRCh37 (hg19) VCF-style: chr6-73904540-C-A.
Other names: c.2175C>A, p.Asn725Lys (NM_001160130.2); c.2232C>A, p.Asn744Lys (NM_001160132.2); c.2259C>A, p.Asn753Lys (NM_001160133.2); c.1872C>A, p.Asn624Lys (NM_001160134.2); short protein forms N725K, N744K, N624K, N734K, N753K.
Identifiers: ClinVar variation 4778624 (VCV004778624.1).

ClinVar aggregate classification (germline): Uncertain significance (1 of 4 stars; one submission).

gnomAD v4.1: 6 of 1,614,182 alleles (0.00037%); highest among the groups gnomAD compares: Non-Finnish European, 0.00051%; no homozygotes.

Submission:

Labcorp Genetics (formerly Invitae), Labcorp
Classification: Uncertain significance. Last evaluated: 2025-08-29. Review status: criteria provided, single submitter. Criteria: Invitae Variant Classification Sherloc (09022015). Collection method: clinical testing. Allele origin: germline.
Comment: This sequence change replaces asparagine, which is neutral and polar, with lysine, which is basic and polar, at codon 753 of the KCNQ5 protein (p.Asn753Lys). This variant is not present in population databases (gnomAD no frequency). This variant has not been reported in the literature in individuals affected with KCNQ5-related conditions. Invitae Evidence Modeling of protein sequence and biophysical properties (such as structural, functional, and spatial information, amino acid conservation, physicochemical variation, residue mobility, and thermodynamic stability) indicates that this missense variant is not expected to disrupt KCNQ5 protein function with a negative predictive value of 95%. In summary, the available evidence is currently insufficient to determine the role of this variant in disease. Therefore, it has been classified as a Variant of Uncertain Significance.